The following is an entry in ClinVar:

ClinVar aggregate classification (germline): Uncertain significance (1 of 4 stars; one submission).

gnomAD v4.1: 2 of 1,210,650 alleles (0.00017%); highest among the groups gnomAD compares: Non-Finnish European, 0.00022%; no homozygotes.

Submission:

Labcorp Genetics (formerly Invitae), Labcorp
Classification: Uncertain significance. Last evaluated: 2023-04-07. Review status: criteria provided, single submitter. Criteria: Invitae Variant Classification Sherloc (09022015). Collection method: clinical testing. Allele origin: germline.
Comment: In summary, the available evidence is currently insufficient to determine the role of this variant in disease. Therefore, it has been classified as a Variant of Uncertain Significance. An algorithm developed to predict the effect of missense changes on protein structure and function (PolyPhen-2) suggests that this variant is likely to be tolerated. This variant has not been reported in the literature in individuals affected with MSN-related conditions. This variant is not present in population databases (gnomAD no frequency). This sequence change replaces lysine, which is basic and polar, with asparagine, which is neutral and polar, at codon 151 of the MSN protein (p.Lys151Asn).

NM_002444.3(MSN):c.453G>C (p.Lys151Asn)

Gene: MSN (moesin; plus strand). Cytogenetic location: Xq12.
Variant type: single nucleotide variant.
Coding change: c.453G>C on transcript NM_002444.3 (MANE Select); coding-DNA position 453, G replaced by C.
Protein change: p.Lys151Asn; replaces lysine 151 with asparagine.
Molecular consequence: missense variant.
Genome position (GRCh38, 1-based): chrX:65,729,698, G>C. VCF-style: chrX-65729698-G-C. GRCh37 (hg19) VCF-style: chrX-64949560-G-C.
Other names: short protein forms K151N.
Identifiers: ClinVar variation 2876700 (VCV002876700.3), dbSNP rs753903006, ClinGen allele CA413415792.
Genomic context (GRCh38, chrX:65,729,698, plus strand): 5'-GTCTAAGTATGGCGACTTCAATAAGGAAGTGCATAAGTCTGGCTACCTGGCCGGAGACAA[G>C]TTGCTCCCGCAGAGGTGAGGTGGTTCCCTGCCCTCCTTTGCCTTGGCCATAAGGGGCTGC-3'
Protein context (NP_002435.1, residues 141-161): VHKSGYLAGD[Lys151Asn]LLPQRVLEQH